The following is an entry in ClinVar:

NM_001009944.3(PKD1):c.4221G>A (p.Pro1407=)

Gene: PKD1 (polycystin 1, transient receptor potential channel interacting; minus strand). Cytogenetic location: 16p13.3.
Variant type: single nucleotide variant.
Coding change: c.4221G>A on transcript NM_001009944.3 (MANE Select); coding-DNA position 4221, G replaced by A.
Protein change: p.Pro1407=; no amino-acid change (proline 1407 retained).
Molecular consequence: synonymous variant.
Genome position (GRCh38, 1-based): chr16:2,110,946, C>T on the plus strand (G>A on the coding strand, the complement: PKD1 is on the minus strand). VCF-style: chr16-2110946-C-T. GRCh37 (hg19) VCF-style: chr16-2160947-C-T.
Other names: c.4221G>A, p.Pro1407= (NM_000296.4); c.4221G>A (NM_001009944.2).
Identifiers: ClinVar variation 997130 (VCV000997130.4), dbSNP rs776410570, ClinGen allele CA7832452.

ClinVar aggregate classification (germline): Likely benign. Review status: criteria provided, single submitter (1 of 4 stars). 3 submissions from 3 submitters: Likely benign (1). 2 of the submissions do not count toward it. Last evaluated 2022-01-18.

Conditions:
Polycystic kidney disease. Also called: Polycystic kidney dysplasia; Kidney, Polycystic. Identifiers: MedGen C0022680, MeSH D007690, MONDO:0020642, HP:0000113.
PKD1-related disorder. Also called: PKD1-related condition.
Polycystic kidney disease, adult type (PKD1). Also called: POLYCYSTIC KIDNEY DISEASE, ADULT, TYPE I; Polycystic Kidney Disease 1, Autosomal Dominant; Polycystic kidney disease 1; Polycystic kidney disease 1, severe; Polycystic Kidney, Autosomal Dominant; POLYCYSTIC KIDNEY DISEASE 1 WITH OR WITHOUT POLYCYSTIC LIVER DISEASE. Identifiers: MedGen C3149841, MONDO:0008263, OMIM 173900.

Allele frequency attached by ClinVar (database versions not stated): gnomAD 0.00001 and 0.00002; gnomAD exomes 0.00001 and 0.00002; ExAC 0.00003; TOPMed 0.00005.

Submissions (3):

Fulgent Genetics
Classification: Likely benign for Polycystic kidney disease, adult type. Last evaluated: 2022-01-18. Review status: criteria provided, single submitter. Criteria: ACMG Guidelines, 2015. Collection method: clinical testing. Allele origin: unknown.

PreventionGenetics, part of Exact Sciences
Classification: Likely benign for PKD1-related condition. Last evaluated: 2019-10-03. Review status: no assertion criteria provided. Collection method: clinical testing. Allele origin: germline. Not counted in ClinVar's aggregate classification.
Comment: This variant is classified as likely benign based on ACMG/AMP sequence variant interpretation guidelines (Richards et al. 2015 PMID: 25741868, with internal and published modifications).

Department of Pathology and Laboratory Medicine, Sinai Health System
Classification: Likely benign for Polycystic Kidney disease. Review status: no assertion criteria provided. Collection method: clinical testing. Allele origin: unknown. Affected: yes. Observed: 1 variant allele. Study: The Canadian Open Genetics Repository (COGR). Not counted in ClinVar's aggregate classification.
Comment: The PKD1 p.Pro1407= variant was not identified in the literature nor was it identified in the ClinVar, LOVD 3.0, ADPKD Mutation Database, or PKD1-LOVD databases. The variant was identified in dbSNP (ID: rs776410570). The variant was identified in control databases in 6 of 274530 chromosomes at a frequency of 0.00002 (Genome Aggregation Database Feb 27, 2017). The variant was observed in the following populations: African in 1 of 23736 chromosomes (freq: 0.00004), Latino in 1 of 34410 chromosomes (freq: 0.00003), European in 2 of 124530 chromosomes (freq: 0.00002), East Asian in 1 of 18832 chromosomes (freq: 0.00005), and South Asian in 1 of 30774 chromosomes (freq: 0.00003), while the variant was not observed in the Other, Ashkenazi Jewish, or Finnish populations. In addition, we cannot be certain that data from control databases is specific to PKD1 and not from one of the six PKD1 pseudogenes. The p.Pro1407= variant is not expected to have clinical significance because it does not result in a change of amino acid and is not located in a known consensus splice site. In addition, in silico or computational prediction software programs (SpliceSiteFinder, MaxEntScan, NNSPLICE, GeneSplicer) do not predict a difference in splicing. In summary, based on the above information, the clinical significance of this variant cannot be determined with certainty at this time although we would lean towards a more benign role for this variant. This variant is classified as likely benign.